The following is an entry in ClinVar:

NM_004517.4(ILK):c.794C>T (p.Pro265Leu)

Genes: TAF10 (TATA-box binding protein associated factor 10; minus strand), ILK (integrin linked kinase; plus strand). Cytogenetic location: 11p15.4.
Variant type: single nucleotide variant.
Coding change: c.794C>T on transcript NM_004517.4 (MANE Select); coding-DNA position 794, C replaced by T.
Protein change: p.Pro265Leu; replaces proline 265 with leucine.
Molecular consequence: missense variant. On other transcripts: 3 prime UTR variant (1).
Genome position (GRCh38, 1-based): chr11:6,609,577, C>T. VCF-style: chr11-6609577-C-T. GRCh37 (hg19) VCF-style: chr11-6630808-C-T.
Other names: c.794C>T, p.Pro265Leu (NM_001014794.3, NM_001014795.3); c.611C>T, p.Pro204Leu (NM_001278441.2); c.392C>T, p.Pro131Leu (NM_001278442.2); c.*1345G>A (NM_006284.4); short protein forms P265L, P131L, P204L.
Identifiers: ClinVar variation 2150521 (VCV002150521.4), dbSNP rs747788514, ClinGen allele CA5858185.

ClinVar aggregate classification (germline): Uncertain significance (1 of 4 stars; one submission).

Conditions:
Primary familial hypertrophic cardiomyopathy (HCM). Identifiers: Orphanet 99739, MedGen C0949658, MeSH D024741, MONDO:0024573. Inheritance: Various modes of inheritance.

Allele frequency attached by ClinVar (database versions not stated): gnomAD exomes below 0.00001; ExAC 0.00001.
gnomAD v4.1: 1 of 1,614,196 alleles (0.000062%); highest among the groups gnomAD compares: Non-Finnish European, 0.000085%; no homozygotes.

Submission:

Labcorp Genetics (formerly Invitae), Labcorp
Classification: Uncertain significance for Primary familial hypertrophic cardiomyopathy. Last evaluated: 2025-11-10. Review status: criteria provided, single submitter. Criteria: Invitae Variant Classification Sherloc (09022015). Collection method: clinical testing. Allele origin: germline.
Comment: This sequence change replaces proline, which is neutral and non-polar, with leucine, which is neutral and non-polar, at codon 265 of the ILK protein (p.Pro265Leu). This variant is present in population databases (rs747788514, gnomAD 0.0009%). This variant has not been reported in the literature in individuals affected with ILK-related conditions. ClinVar contains an entry for this variant (Variation ID: 2150521). An algorithm developed to predict the effect of missense changes on protein structure and function (PolyPhen-2) suggests that this variant is likely to be disruptive. In summary, the available evidence is currently insufficient to determine the role of this variant in disease. Therefore, it has been classified as a Variant of Uncertain Significance.